The following is an entry in ClinVar:

NM_001252024.2(TRPM1):c.2876T>G (p.Phe959Cys)

Genes: TRPM1 (transient receptor potential cation channel subfamily M member 1; minus strand), TRPM1-AS1 (TRPM1 antisense RNA 1; plus strand). Cytogenetic location: 15q13.3.
Variant type: single nucleotide variant.
Coding change: c.2876T>G on transcript NM_001252024.2 (MANE Select); coding-DNA position 2876, T replaced by G.
Protein change: p.Phe959Cys; replaces phenylalanine 959 with cysteine.
Molecular consequence: missense variant.
Genome position (GRCh38, 1-based): chr15:31,032,765, A>C on the plus strand (T>G on the coding strand, the complement: TRPM1 is on the minus strand). VCF-style: chr15-31032765-A-C. GRCh37 (hg19) VCF-style: chr15-31324968-A-C.
Other names: c.2927T>G, p.Phe976Cys (NM_001252020.2); c.2810T>G, p.Phe937Cys (NM_002420.6); short protein forms F976C, F937C, F959C.
Identifiers: ClinVar variation 2067055 (VCV002067055.4), dbSNP rs761580674, ClinGen allele CA7452054.

ClinVar aggregate classification (germline): Uncertain significance (1 of 4 stars; one submission).

Allele frequency attached by ClinVar (database versions not stated): ExAC 0.00002; gnomAD exomes below 0.00001; TOPMed below 0.00001; gnomAD 0.00001.
gnomAD v4.1: 5 of 1,614,086 alleles (0.00031%); highest among the groups gnomAD compares: Admixed American, 0.0017%; no homozygotes.

Submission:

Labcorp Genetics (formerly Invitae), Labcorp
Classification: Uncertain significance. Last evaluated: 2022-04-19. Review status: criteria provided, single submitter. Criteria: Invitae Variant Classification Sherloc (09022015). Collection method: clinical testing. Allele origin: germline.
Comment: This variant is present in population databases (rs761580674, gnomAD 0.002%). This sequence change replaces phenylalanine, which is neutral and non-polar, with cysteine, which is neutral and slightly polar, at codon 937 of the TRPM1 protein (p.Phe937Cys). This variant has not been reported in the literature in individuals affected with TRPM1-related conditions. Algorithms developed to predict the effect of missense changes on protein structure and function are either unavailable or do not agree on the potential impact of this missense change (SIFT: "Deleterious"; PolyPhen-2: "Probably Damaging"; Align-GVGD: "Class C0"). In summary, the available evidence is currently insufficient to determine the role of this variant in disease. Therefore, it has been classified as a Variant of Uncertain Significance.